The following is an entry in ClinVar:

ClinVar aggregate classification (germline): Uncertain significance. Review status: criteria provided, multiple submitters, no conflicts (2 of 4 stars). 2 submissions from 2 submitters: Uncertain significance (2). Last evaluated 2026-02-04.

Conditions:
REST-related disorder. Also called: REST-related condition.

Submissions (2):

PreventionGenetics, part of Exact Sciences
Classification: Uncertain significance for REST-related condition. Last evaluated: 2026-02-04. Review status: criteria provided, single submitter. Criteria: ACMG Guidelines, 2015. Collection method: clinical testing. Allele origin: germline.
Comment: The REST c.418C>G variant is predicted to result in the amino acid substitution p.Leu140Val. To our knowledge, this variant has not been reported in the literature. This variant is reported in 0.0015% of alleles in individuals of European (Non-Finnish) descent in gnomAD. At this time, the clinical significance of this variant is uncertain due to the absence of conclusive functional and genetic evidence.

Labcorp Genetics (formerly Invitae), Labcorp
Classification: Uncertain significance. Last evaluated: 2025-10-12. Review status: criteria provided, single submitter. Criteria: Invitae Variant Classification Sherloc (09022015). Collection method: clinical testing. Allele origin: germline.
Comment: This sequence change replaces leucine, which is neutral and non-polar, with valine, which is neutral and non-polar, at codon 140 of the REST protein (p.Leu140Val). This variant is present in population databases (no rsID available, gnomAD 0.002%). This variant has not been reported in the literature in individuals affected with REST-related conditions. An algorithm developed to predict the effect of missense changes on protein structure and function outputs the following: PolyPhen-2: "Benign". The valine amino acid residue is found in multiple mammalian species, which suggests that this missense change does not adversely affect protein function. In summary, the available evidence is currently insufficient to determine the role of this variant in disease. Therefore, it has been classified as a Variant of Uncertain Significance.

NM_005612.5(REST):c.418C>G (p.Leu140Val)

Gene: REST (RE1 silencing transcription factor; plus strand). Cytogenetic location: 4q12.
Variant type: single nucleotide variant.
Coding change: c.418C>G on transcript NM_005612.5 (MANE Select); coding-DNA position 418, C replaced by G.
Protein change: p.Leu140Val; replaces leucine 140 with valine.
Molecular consequence: missense variant.
Genome position (GRCh38, 1-based): chr4:56,911,056, C>G. VCF-style: chr4-56911056-C-G. GRCh37 (hg19) VCF-style: chr4-57777222-C-G.
Other names: c.418C>G, p.Leu140Val (NM_001193508.2, NM_001363453.3, NM_001440532.1 and 1 more transcripts); c.418C>G (NM_005612.4); short protein forms L140V.
Identifiers: ClinVar variation 4751362 (VCV004751362.2).
Genomic context (GRCh38, chr4:56,911,056, plus strand): 5'-GAACCTCAGCCTGTATTTGAGGCATCAGGTGCTCCAGATATTTACAGTTCAAATAAAGAT[C>G]TTCCCCCTGAAACACCTGGAGCGGAGGACAAAGGCAAGAGCTCGAAGACCAAACCCTTTC-3'
Protein context (NP_005603.3, residues 130-150): APDIYSSNKD[Leu140Val]PPETPGAEDK